The following is an entry in ClinVar:

NM_004370.6(COL12A1):c.8579G>C (p.Gly2860Ala)

Gene: COL12A1 (collagen type XII alpha 1 chain; minus strand). Cytogenetic location: 6q13.
Variant type: single nucleotide variant.
Coding change: c.8579G>C on transcript NM_004370.6 (MANE Select); coding-DNA position 8579, G replaced by C.
Protein change: p.Gly2860Ala; replaces glycine 2860 with alanine.
Molecular consequence: missense variant.
Genome position (GRCh38, 1-based): chr6:75,095,178, C>G on the plus strand (G>C on the coding strand, the complement: COL12A1 is on the minus strand). VCF-style: chr6-75095178-C-G. GRCh37 (hg19) VCF-style: chr6-75804894-C-G.
Other names: c.5087G>C, p.Gly1696Ala (NM_080645.3); short protein forms G1696A, G2860A.
Identifiers: ClinVar variation 646718 (VCV000646718.10), dbSNP rs758378155, ClinGen allele CA3892195.
Genomic context (GRCh38, chr6:75,095,178, plus strand): 5'-TGATCTCCAGGTTTTCCTGGCTTCCCACTTGGTCCTGTGACTCCTGGGGAGCCTGGGCTT[C>G]CCTACAACACATGGAAAGGGAAGGGGACTGTTATGACAAAGGGAAAATCCCATCTAAAGT-3'
Protein context (NP_004361.3, residues 2850-2870): MGPRGPPGPP[Gly2860Ala]SPGSPGVTGP

ClinVar aggregate classification (germline): Uncertain significance. Review status: criteria provided, multiple submitters, no conflicts (2 of 4 stars). 2 submissions from 2 submitters: Uncertain significance (2). Last evaluated 2025-10-15.

Conditions:
Inborn genetic diseases. Identifiers: MedGen C0950123, MeSH D030342.
Ullrich congenital muscular dystrophy 2 (UCMD2). Identifiers: Orphanet 75840, MedGen C4225314, MONDO:0014654, OMIM 616470.
Bethlem myopathy 2 (BTHLM2). Identifiers: Orphanet 536516, Orphanet 610, MedGen C4225313, MONDO:0034022, OMIM 616471.

Allele frequency attached by ClinVar (database versions not stated): ExAC 0.00007; gnomAD 0.00001; gnomAD exomes 0.00002 and 0.00006; TOPMed 0.00002.
gnomAD v4.1: 32 of 1,613,456 alleles (0.002%); highest among the groups gnomAD compares: East Asian, 0.038%; no homozygotes.

Submissions (2):

Ambry Genetics
Classification: Uncertain significance for Inborn genetic diseases. Last evaluated: 2025-10-15. Review status: criteria provided, single submitter. Criteria: Ambry Variant Classification Scheme 2023. Collection method: clinical testing. Allele origin: germline.

Labcorp Genetics (formerly Invitae), Labcorp
Classification: Uncertain significance for Bethlem myopathy 2; Ullrich congenital muscular dystrophy 2. Last evaluated: 2025-03-05. Review status: criteria provided, single submitter. Criteria: Invitae Variant Classification Sherloc (09022015). Collection method: clinical testing. Allele origin: germline.
Comment: This sequence change replaces glycine, which is neutral and non-polar, with alanine, which is neutral and non-polar, at codon 2860 of the COL12A1 protein (p.Gly2860Ala). This variant is present in population databases (rs758378155, gnomAD 0.04%). This variant has not been reported in the literature in individuals affected with COL12A1-related conditions. ClinVar contains an entry for this variant (Variation ID: 646718). An algorithm developed to predict the effect of missense changes on protein structure and function (PolyPhen-2) suggests that this variant is likely to be disruptive. In summary, the available evidence is currently insufficient to determine the role of this variant in disease. Therefore, it has been classified as a Variant of Uncertain Significance.